The following is an entry in ClinVar:

NM_001377.3(DYNC2H1):c.9037A>C (p.Ile3013Leu)

Gene: DYNC2H1 (dynein cytoplasmic 2 heavy chain 1; plus strand). Cytogenetic location: 11q22.3.
Variant type: single nucleotide variant.
Coding change: c.9037A>C on transcript NM_001377.3 (MANE Select); coding-DNA position 9037, A replaced by C.
Protein change: p.Ile3013Leu; replaces isoleucine 3013 with leucine.
Molecular consequence: missense variant.
Genome position (GRCh38, 1-based): chr11:103,220,713, A>C. VCF-style: chr11-103220713-A-C. GRCh37 (hg19) VCF-style: chr11-103091442-A-C.
Other names: c.9037A>C (NM_001080463.1); c.9037A>C, p.Ile3013Leu (NM_001080463.2); short protein forms I3013L.
Identifiers: ClinVar variation 972991 (VCV000972991.6), dbSNP rs1250296341, ClinGen allele CA382262834.

ClinVar aggregate classification (germline): Uncertain significance. Review status: criteria provided, multiple submitters, no conflicts (2 of 4 stars). 2 submissions from 2 submitters: Uncertain significance (2). Last evaluated 2022-09-07.

Conditions:
DYNC2H1-related disorder. Also called: DYNC2H1-related condition; DYNC2H1-related disorders. Identifiers: MedGen CN378770.

Allele frequency attached by ClinVar (database versions not stated): gnomAD exomes below 0.00001 and 0.00001; TOPMed 0.00001; gnomAD 0.00002.
gnomAD v4.1: 13 of 1,613,056 alleles (0.00081%); highest among the groups gnomAD compares: African/African-American, 0.0027%; no homozygotes.

Submissions (2):

Blueprint Genetics
Classification: Uncertain significance. Last evaluated: 2022-09-07. Review status: criteria provided, single submitter. Criteria: ACMG Guidelines, 2015. Collection method: clinical testing. Allele origin: germline.

GeneDx
Classification: Uncertain significance. Last evaluated: 2021-12-25. Review status: criteria provided, single submitter. Criteria: GeneDx Variant Classification Process June 2021. Collection method: clinical testing. Allele origin: germline. Affected: yes.
Comment: Not observed at a significant frequency in large population cohorts (Lek et al., 2016); In silico analysis supports that this missense variant does not alter protein structure/function; Has not been previously published as pathogenic or benign to our knowledge